The following is an entry in ClinVar:

ClinVar aggregate classification (germline): Uncertain significance. Review status: criteria provided, multiple submitters, no conflicts (2 of 4 stars). 2 submissions from 2 submitters: Uncertain significance (2). Last evaluated 2025-10-19.

Conditions:
Anophthalmia/microphthalmia-esophageal atresia syndrome (MCOPS3). Also called: MICROPHTHALMIA AND ESOPHAGEAL ATRESIA SYNDROME; AEG SYNDROME; SOX2 Disorder. Identifiers: Orphanet 77298, MedGen C1859773, MONDO:0008799, OMIM 206900.

Submissions (2):

Dasa
Classification: Uncertain significance for Anophthalmia/microphthalmia-esophageal atresia syndrome. Last evaluated: 2025-10-19. Review status: criteria provided, single submitter. Criteria: DASA Assertion Criteria. Collection method: clinical testing. Allele origin: germline.
Comment: NM_003106.4(SOX2):c.110G>T (p.Ser37Ile) is a missense variant that results in the substitution of serine with isoleucine. This variant is absent from population databases. The currently available literature and clinical evidence are not sufficient to establish a definitive association between this variant and the reported condition. Therefore, this variant is classified as a variant of uncertain significance.

Department of Pathology and Laboratory Medicine, Sinai Health System
Classification: Uncertain significance for Anophthalmia/microphthalmia-esophageal atresia syndrome. Last evaluated: 2022-05-03. Review status: criteria provided, single submitter. Criteria: ACMG Guidelines, 2015. Collection method: research. Allele origin: germline.

NM_003106.4(SOX2):c.110G>T (p.Ser37Ile)

Genes: SOX2 (SRY-box transcription factor 2; plus strand), SOX2-OT (SOX2 overlapping transcript; plus strand), LOC108281177 (SOX2 5' regulatory region; plus strand). Cytogenetic location: 3q26.33.
Variant type: single nucleotide variant.
Coding change: c.110G>T on transcript NM_003106.4 (MANE Select); coding-DNA position 110, G replaced by T.
Protein change: p.Ser37Ile; replaces serine 37 with isoleucine.
Molecular consequence: missense variant.
Genome position (GRCh38, 1-based): chr3:181,712,470, G>T. VCF-style: chr3-181712470-G-T. GRCh37 (hg19) VCF-style: chr3-181430258-G-T.
Other names: short protein forms S37I.
Identifiers: ClinVar variation 3892529 (VCV003892529.3).
Genomic context (GRCh38, chr3:181,712,470, plus strand): 5'-CTTCGGGGGGCGGCGGCGGCAACTCCACCGCGGCGGCGGCCGGCGGCAACCAGAAAAACA[G>T]CCCGGACCGCGTCAAGCGGCCCATGAATGCCTTCATGGTGTGGTCCCGCGGGCAGCGGCG-3'
Protein context (NP_003097.1, residues 27-47): AAAAGGNQKN[Ser37Ile]PDRVKRPMNA